The following is an entry in ClinVar:

ClinVar aggregate classification (germline): Pathogenic (1 of 4 stars; one submission).

Conditions:
Hereditary angioedema type 1 (HAE1). Identifiers: Orphanet 100050, Orphanet 100051, Orphanet 91378, MedGen C2717906, MONDO:0015053, OMIM 106100.

Submission:

DNA-diagnostics Laboratory, Research Centre For Medical Genetics
Classification: Pathogenic for Hereditary angioedema type 1. Last evaluated: 2024-08-03. Review status: criteria provided, single submitter. Criteria: ACMG Guidelines, 2015. Collection method: research. Allele origin: germline. Inheritance: Autosomal dominant inheritance. Affected: yes. Observed: 1 heterozygote.
Comment: According to our observation and published information (Gösswein et al., 2008, Johnsrud et al., 2015), the c.310C>T variant in SERPING1 meets ACMG/ClinGen SVI guidance criteria to be classified as pathogenic: PVS1, PS4_Mod, PP4_Mod, PM2_Sup

Literature cited by the submitters: PubMed 18758157; DOI 10.1371/journal. pone.0131637.

NM_000062.3(SERPING1):c.310C>T (p.Gln104Ter)

Gene: SERPING1 (serpin family G member 1; plus strand). Cytogenetic location: 11q12.1.
Variant type: single nucleotide variant.
Coding change: c.310C>T on transcript NM_000062.3 (MANE Select); coding-DNA position 310, C replaced by T.
Protein change: p.Gln104Ter; replaces glutamine 104 with a stop codon.
Molecular consequence: nonsense.
Genome position (GRCh38, 1-based): chr11:57,600,137, C>T. VCF-style: chr11-57600137-C-T. GRCh37 (hg19) VCF-style: chr11-57367610-C-T.
Other names: c.310C>T, p.Gln104Ter (NM_001032295.2); short protein forms Q104*.
Identifiers: ClinVar variation 3257743 (VCV003257743.2).